The following is an entry in ClinVar:

ClinVar aggregate classification (germline): Uncertain significance (1 of 4 stars; one submission).

Conditions:
Microcephaly 15, primary, autosomal recessive (NEDMISBA). Also called: NEURODEVELOPMENTAL DISORDER WITH PROGRESSIVE MICROCEPHALY, SPASTICITY, AND BRAIN IMAGING ABNORMALITIES. Identifiers: Orphanet 2512, MedGen C4225310, MONDO:0014660, OMIM 616486.

gnomAD v4.1: 90 of 1,610,252 alleles (0.0056%); highest among the groups gnomAD compares: Non-Finnish European, 0.0065%; no homozygotes.

Submission:

Juno Genomics, Hangzhou Juno Genomics, Inc
Classification: Uncertain significance for Microcephaly 15, primary, autosomal recessive. Review status: criteria provided, single submitter. Criteria: ACMG Guidelines, 2015. Collection method: clinical testing. Allele origin: germline.
Comment: Absent from controls (or at extremely low frequency if recessive) in Genome Aggregation Database.;Multiple lines of computational evidence support a deleterious effect on the gene or gene product.

NM_032793.5(MFSD2A):c.341G>A (p.Arg114His)

Gene: MFSD2A (MFSD2 lysolipid transporter A, lysophospholipid; plus strand). Cytogenetic location: 1p34.2.
Variant type: single nucleotide variant.
Coding change: c.341G>A on transcript NM_032793.5 (MANE Select); coding-DNA position 341, G replaced by A.
Protein change: p.Arg114His; replaces arginine 114 with histidine.
Molecular consequence: missense variant. On other transcripts: 5 prime UTR variant (1), non-coding transcript variant (1), intron variant (1).
Genome position (GRCh38, 1-based): chr1:39,958,813, G>A. VCF-style: chr1-39958813-G-A. GRCh37 (hg19) VCF-style: chr1-40424485-G-A.
Other names: c.380G>A, p.Arg127His (NM_001136493.3); c.230G>A, p.Arg77His (NM_001287809.2); c.335G>A, p.Arg112His (NM_001349821.2); c.341G>A, p.Arg114His (NM_001349822.2); c.-5G>A (NM_001349823.2); c.-116+3428G>A (NM_001287808.2); short protein forms R112H, R77H, R114H, R127H.
Identifiers: ClinVar variation 5006525 (VCV005006525.2).